The following is an entry in ClinVar:

ClinVar aggregate classification (germline): Likely benign (0 of 4 stars; one submission).

Conditions:
SOX1-related disorder. Also called: SOX1-related condition.

Submission:

PreventionGenetics, part of Exact Sciences
Classification: Likely benign for SOX1-related condition. Last evaluated: 2020-11-17. Review status: no assertion criteria provided. Collection method: clinical testing. Allele origin: germline.
Comment: This variant is classified as likely benign based on ACMG/AMP sequence variant interpretation guidelines (Richards et al. 2015 PMID: 25741868, with internal and published modifications).

NM_005986.3(SOX1):c.81G>C (p.Gly27=)

Genes: SOX1 (SRY-box transcription factor 1; plus strand), SOX1-OT (SOX1 overlapping transcript; plus strand). Cytogenetic location: 13q34.
Variant type: single nucleotide variant.
Coding change: c.81G>C on transcript NM_005986.3 (MANE Select); coding-DNA position 81, G replaced by C.
Protein change: p.Gly27=; no amino-acid change (glycine 27 retained).
Molecular consequence: synonymous variant.
Genome position (GRCh38, 1-based): chr13:112,067,739, G>C. VCF-style: chr13-112067739-G-C. GRCh37 (hg19) VCF-style: chr13-112722053-G-C.
Identifiers: ClinVar variation 3041721 (VCV003041721.2), dbSNP rs1880757707, ClinGen allele CA484985170.